The following is an entry in ClinVar:

ClinVar aggregate classification (germline): Uncertain significance (1 of 4 stars; one submission).

Conditions:
Gastrointestinal stromal tumor. Also called: Gastrointestinal stroma tumor; Gastrointestinal stromal tumor, somatic. Identifiers: Orphanet 44890, MedGen C0238198, MeSH D046152, MONDO:0011719, OMIM 606764, HP:0100723.

Submission:

Labcorp Genetics (formerly Invitae), Labcorp
Classification: Uncertain significance for Gastrointestinal stromal tumor. Last evaluated: 2021-10-09. Review status: criteria provided, single submitter. Criteria: Invitae Variant Classification Sherloc (09022015). Collection method: clinical testing. Allele origin: germline.
Comment: This sequence change replaces aspartic acid with glutamic acid at codon 309 of the KIT protein (p.Asp309Glu). The aspartic acid residue is moderately conserved and there is a small physicochemical difference between aspartic acid and glutamic acid. This variant is not present in population databases (ExAC no frequency). This variant has not been reported in the literature in individuals with KIT-related conditions. Algorithms developed to predict the effect of missense changes on protein structure and function output the following: SIFT: "Tolerated"; PolyPhen-2: "Benign"; Align-GVGD: "Class C0". The glutamic acid amino acid residue is found in multiple mammalian species, suggesting that this missense change does not adversely affect protein function. These predictions have not been confirmed by published functional studies and their clinical significance is uncertain. In summary, the available evidence is currently insufficient to determine the role of this variant in disease. Therefore, it has been classified as a Variant of Uncertain Significance.

NM_000222.3(KIT):c.927T>A (p.Asp309Glu)

Gene: KIT (KIT proto-oncogene, receptor tyrosine kinase; plus strand). Cytogenetic location: 4q12.
Variant type: single nucleotide variant.
Coding change: c.927T>A on transcript NM_000222.3 (MANE Select); coding-DNA position 927, T replaced by A.
Protein change: p.Asp309Glu; replaces aspartic acid 309 with glutamic acid.
Molecular consequence: missense variant.
Genome position (GRCh38, 1-based): chr4:54,707,099, T>A. VCF-style: chr4-54707099-T-A. GRCh37 (hg19) VCF-style: chr4-55573265-T-A.
Other names: c.927T>A, p.Asp309Glu (NM_001093772.2, NM_001385285.1, NM_001385286.1); c.930T>A, p.Asp310Glu (NM_001385284.1, NM_001385288.1, NM_001385290.1 and 1 more transcripts); short protein forms D309E, D310E.
Identifiers: ClinVar variation 1474144 (VCV001474144.6), dbSNP rs2109704896, ClinGen allele CA356900617.